The following is an entry in ClinVar:

NM_003640.5(ELP1):c.1642A>G (p.Ser548Gly)

Gene: ELP1 (elongator acetyltransferase complex subunit 1; minus strand). Cytogenetic location: 9q31.3.
Variant type: single nucleotide variant.
Coding change: c.1642A>G on transcript NM_003640.5 (MANE Select); coding-DNA position 1642, A replaced by G.
Protein change: p.Ser548Gly; replaces serine 548 with glycine.
Molecular consequence: missense variant.
Genome position (GRCh38, 1-based): chr9:108,906,304, T>C on the plus strand (A>G on the coding strand, the complement: ELP1 is on the minus strand). VCF-style: chr9-108906304-T-C. GRCh37 (hg19) VCF-style: chr9-111668584-T-C.
Other names: c.1300A>G, p.Ser434Gly (NM_001318360.2); c.595A>G, p.Ser199Gly (NM_001330749.2); short protein forms S199G, S434G, S548G.
Identifiers: ClinVar variation 1009207 (VCV001009207.9), dbSNP rs1829015512, ClinGen allele CA374426961.
Genomic context (GRCh38, chr9:108,906,304, plus strand): 5'-AAGACAAAAACCTAACTCCATTTGCTTAACATGTGGAGTACAGGGAAAAACTGCAATACC[T>C]GACATTGAGCTGTCCATGCTCTTCATCCATCTCAGAAGAAGCTGCAGTCAAATGGTGAAT-3'
Protein context (NP_003631.2, residues 538-558): MDEEHGQLNV[Ser548Gly]SSAAVDGVII

ClinVar aggregate classification (germline): Uncertain significance. Review status: criteria provided, single submitter (1 of 4 stars). 2 submissions from 2 submitters: Uncertain significance (1). 1 of the submissions does not count toward it. Last evaluated 2024-02-17.

Conditions:
Familial dysautonomia. Also called: FD; HSAN III. Identifiers: Orphanet 1764, MedGen C0013364, MONDO:0009131, OMIM 223900. Disease mechanism: loss of function.

Allele frequency attached by ClinVar (database versions not stated): gnomAD exomes below 0.00001; TOPMed below 0.00001.
gnomAD v4.1: 1 of 1,613,878 alleles (0.000062%); highest among the groups gnomAD compares: Non-Finnish European, 0.000085%; no homozygotes.

Submissions (2):

Labcorp Genetics (formerly Invitae), Labcorp
Classification: Uncertain significance. Last evaluated: 2024-02-17. Review status: criteria provided, single submitter. Criteria: Invitae Variant Classification Sherloc (09022015). Collection method: clinical testing. Allele origin: germline.
Comment: This sequence change replaces serine, which is neutral and polar, with glycine, which is neutral and non-polar, at codon 548 of the ELP1 protein (p.Ser548Gly). This variant is not present in population databases (gnomAD no frequency). This variant has not been reported in the literature in individuals affected with ELP1-related conditions. ClinVar contains an entry for this variant (Variation ID: 1009207). An algorithm developed to predict the effect of missense changes on protein structure and function (PolyPhen-2) suggests that this variant is likely to be tolerated. Algorithms developed to predict the effect of sequence changes on RNA splicing suggest that this variant may create or strengthen a splice site. In summary, the available evidence is currently insufficient to determine the role of this variant in disease. Therefore, it has been classified as a Variant of Uncertain Significance.

Natera, Inc.
Classification: Uncertain significance for Familial dysautonomia. Last evaluated: 2021-04-17. Review status: no assertion criteria provided. Collection method: clinical testing. Allele origin: germline. Not counted in ClinVar's aggregate classification.